The following is an entry in ClinVar:

ClinVar aggregate classification (germline): Uncertain significance. Review status: criteria provided, multiple submitters, no conflicts (2 of 4 stars). 5 submissions from 5 submitters: Uncertain significance (5). Last evaluated 2026-04-14.

Conditions:
PROM1-related disorder. Also called: PROM1-related disorders; PROM1-related condition.

Allele frequency attached by ClinVar (database versions not stated): gnomAD exomes below 0.00001 and 0.00001; TOPMed below 0.00001; ExAC 0.00001; gnomAD 0.00001.
gnomAD v4.1: 9 of 1,613,758 alleles (0.00056%); highest among the groups gnomAD compares: Middle Eastern, 0.15%; 1 homozygote.

Submissions (5):

PreventionGenetics, part of Exact Sciences
Classification: Uncertain significance for PROM1-related condition. Last evaluated: 2026-04-14. Review status: criteria provided, single submitter. Criteria: ACMG Guidelines, 2015. Collection method: clinical testing. Allele origin: germline.
Comment: The PROM1 c.97A>G variant is predicted to result in the amino acid substitution p.Asn33Asp. To our knowledge, this variant has not been reported in the literature. This variant is reported in 0.00089% of alleles in individuals of European (Non-Finnish) descent in gnomAD. At this time, the clinical significance of this variant is uncertain due to the absence of conclusive functional and genetic evidence.

Labcorp Genetics (formerly Invitae), Labcorp
Classification: Uncertain significance. Last evaluated: 2023-01-11. Review status: criteria provided, single submitter. Criteria: Invitae Variant Classification Sherloc (09022015). Collection method: clinical testing. Allele origin: germline.
Comment: This variant is present in population databases (rs761208782, gnomAD 0.0009%). In summary, the available evidence is currently insufficient to determine the role of this variant in disease. Therefore, it has been classified as a Variant of Uncertain Significance. Advanced modeling of protein sequence and biophysical properties (such as structural, functional, and spatial information, amino acid conservation, physicochemical variation, residue mobility, and thermodynamic stability) performed at Invitae indicates that this missense variant is not expected to disrupt PROM1 protein function. ClinVar contains an entry for this variant (Variation ID: 497941). This variant has not been reported in the literature in individuals affected with PROM1-related conditions. This sequence change replaces asparagine, which is neutral and polar, with aspartic acid, which is acidic and polar, at codon 33 of the PROM1 protein (p.Asn33Asp).

Blueprint Genetics
Classification: Uncertain significance. Last evaluated: 2022-03-11. Review status: criteria provided, single submitter. Criteria: ACMG Guidelines, 2015. Collection method: clinical testing. Allele origin: germline.

Eurofins Ntd Llc (ga)
Classification: Uncertain significance. Last evaluated: 2016-10-25. Review status: criteria provided, single submitter. Criteria: EGL Classification Definitions 2015. Collection method: clinical testing. Allele origin: germline. Observed: 2 variant alleles, 2 heterozygotes.

Breakthrough Genomics
Classification: Uncertain significance. Review status: criteria provided, single submitter. Criteria: ACMG Guidelines, 2015. Collection method: not provided. Allele origin: germline. Inheritance: Autosomal recessive inheritance. Affected: yes.

NM_006017.3(PROM1):c.97A>G (p.Asn33Asp)

Gene: PROM1 (prominin 1; minus strand). Cytogenetic location: 4p15.32.
Variant type: single nucleotide variant.
Coding change: c.97A>G on transcript NM_006017.3 (MANE Select); coding-DNA position 97, A replaced by G.
Protein change: p.Asn33Asp; replaces asparagine 33 with aspartic acid.
Molecular consequence: missense variant.
Genome position (GRCh38, 1-based): chr4:16,075,810, T>C on the plus strand (A>G on the coding strand, the complement: PROM1 is on the minus strand). VCF-style: chr4-16075810-T-C. GRCh37 (hg19) VCF-style: chr4-16077433-T-C.
Other names: c.97A>G, p.Asn33Asp (NM_001145847.2, NM_001145848.2, NM_001145849.2 and 6 more transcripts); c.97A>G (NM_006017.2); short protein forms N33D.
Identifiers: ClinVar variation 497941 (VCV000497941.16), dbSNP rs761208782, ClinGen allele CA2867190.
Genomic context (GRCh38, chr4:16,075,810, plus strand): 5'-CAATGGGTCCAGCTTTATGGGAGTCTTGGGTCTCATAATTTGTTGCAGGCAATTCATAAT[T>C]CCAAGCCTTAGGAGCATCTGTGGATGAAGGCTGCCCTCCTGAAAAGGAGTTCCCGCACAG-3'
Protein context (NP_006008.1, residues 23-43): PSSTDAPKAW[Asn33Asp]YELPATNYET